The following is an entry in ClinVar:

NM_032043.3(BRIP1):c.2103A>G (p.Leu701=)

Gene: BRIP1 (BRCA1 interacting DNA helicase 1; minus strand). Cytogenetic location: 17q23.2.
Variant type: single nucleotide variant.
Coding change: c.2103A>G on transcript NM_032043.3 (MANE Select); coding-DNA position 2103, A replaced by G.
Protein change: p.Leu701=; no amino-acid change (leucine 701 retained).
Molecular consequence: synonymous variant.
Genome position (GRCh38, 1-based): chr17:61,744,586, T>C on the plus strand (A>G on the coding strand, the complement: BRIP1 is on the minus strand). VCF-style: chr17-61744586-T-C. GRCh37 (hg19) VCF-style: chr17-59821947-T-C.
Identifiers: ClinVar variation 2947614 (VCV002947614.5), dbSNP rs2544839690, ClinGen allele CA501151391.

ClinVar aggregate classification (germline): Benign/Likely benign. Review status: criteria provided, multiple submitters, no conflicts (2 of 4 stars). 3 submissions from 3 submitters: Benign (1); Likely benign (2). Last evaluated 2024-12-02.

Conditions:
Familial cancer of breast. Also called: BREAST CANCER, FAMILIAL; Hereditary breast cancer; hereditary breast carcinoma. Identifiers: Orphanet 227535, MedGen C0346153, MONDO:0016419, OMIM 114480. Disease mechanism: loss of function.
Hereditary cancer-predisposing syndrome. Also called: Hereditary neoplastic syndrome; Neoplastic Syndromes, Hereditary; Tumor predisposition; Hereditary Cancer Syndrome. Identifiers: Orphanet 140162, MedGen C0027672, MeSH D009386, MONDO:0015356.
Fanconi anemia complementation group J. Also called: BRIP1-Related Fanconi Anemia. Identifiers: Orphanet 84, MedGen C1836860, MONDO:0012187, OMIM 609054.

Submissions (3):

Molecular Diagnostics Laboratory, Catalan Institute of Oncology
Classification: Likely benign for Hereditary cancer-predisposing syndrome. Last evaluated: 2024-12-02. Review status: criteria provided, single submitter. Criteria: ACMG Guidelines, 2015. Collection method: clinical testing. Allele origin: germline.
Comment: PM2_Supporting, BP4, BP7 c.2103A>G, located in exon 15 of the BRIP1 gene, is predicted to result in no splicing alteration (according to SpliceAI) and no amino acid change, p.(Leu701=) (BP4, BP7). It is not present in the population database gnomAD v2.1.1, non cancer dataset (PM2_supporting). To our knowledge, neither relevant clinical data nor well-stablished functional studies have been reported for this variant. This variant has not been reported neither in ClinVar nor in LOVD databases. Based on currently available information, the variant c.2103A>G should be considered a likely benign variant.

Myriad Genetics, Inc.
Classification: Benign for Familial cancer of breast. Last evaluated: 2024-09-03. Review status: criteria provided, single submitter. Criteria: Myriad Autosomal Dominant, Autosomal Recessive and X-Linked Classification Criteria (2023). Collection method: clinical testing. Allele origin: unknown.
Comment: This variant is considered benign. This variant is a silent/synonymous amino acid change and it is not expected to impact splicing.

Labcorp Genetics (formerly Invitae), Labcorp
Classification: Likely benign for Familial cancer of breast; Fanconi anemia complementation group J. Last evaluated: 2024-04-10. Review status: criteria provided, single submitter. Criteria: Invitae Variant Classification Sherloc (09022015). Collection method: clinical testing. Allele origin: germline.